The following is an entry in ClinVar:

NM_004260.4(RECQL4):c.3586G>C (p.Val1196Leu)

Gene: RECQL4 (RecQ like helicase 4; minus strand). Cytogenetic location: 8q24.3.
Variant type: single nucleotide variant.
Coding change: c.3586G>C on transcript NM_004260.4 (MANE Select); coding-DNA position 3586, G replaced by C.
Protein change: p.Val1196Leu; replaces valine 1196 with leucine.
Molecular consequence: missense variant. On other transcripts: non-coding transcript variant (3).
Genome position (GRCh38, 1-based): chr8:144,511,472, C>G on the plus strand (G>C on the coding strand, the complement: RECQL4 is on the minus strand). VCF-style: chr8-144511472-C-G. GRCh37 (hg19) VCF-style: chr8-145736855-C-G.
Other names: c.3292G>C, p.Val1098Leu (NM_001413017.1); c.3388G>C, p.Val1130Leu (NM_001413018.1); c.3661G>C, p.Val1221Leu (NM_001413019.1); c.3490G>C, p.Val1164Leu (NM_001413020.1); c.2515G>C, p.Val839Leu (NM_001413021.1, NM_001413022.1, NM_001413024.1 and 4 more transcripts); c.2590G>C, p.Val864Leu (NM_001413023.1); c.3457G>C, p.Val1153Leu (NM_001413025.1); c.2449G>C, p.Val817Leu (NM_001413027.1, NM_001413030.1, NM_001413032.1); and 9 more; short protein forms V1164L, V1221L, V773L, V817L, V1079L, V1098L, V1199L, V1130L.
Identifiers: ClinVar variation 3787980 (VCV003787980.1).

ClinVar aggregate classification (germline): Uncertain significance (1 of 4 stars; one submission).

Conditions:
Inborn genetic diseases. Identifiers: MedGen C0950123, MeSH D030342.

Submission:

Ambry Genetics
Classification: Uncertain significance for Inborn genetic diseases. Last evaluated: 2025-01-04. Review status: criteria provided, single submitter. Criteria: Ambry Variant Classification Scheme 2023. Collection method: clinical testing. Allele origin: germline.
Comment: The p.V1196L variant (also known as c.3586G>C), located in coding exon 21 of the RECQL4 gene, results from a G to C substitution at nucleotide position 3586. The valine at codon 1196 is replaced by leucine, an amino acid with highly similar properties. This amino acid position is conserved. Based on the available evidence, the clinical significance of this variant remains unclear.